The following is an entry in ClinVar:

ClinVar aggregate classification (germline): Uncertain significance. Review status: criteria provided, multiple submitters, no conflicts (2 of 4 stars). 3 submissions from 3 submitters: Uncertain significance (3). Last evaluated 2026-02-02.

Conditions:
Cardiovascular phenotype. Identifiers: MedGen CN230736.

Allele frequency attached by ClinVar (database versions not stated): gnomAD 0.00002; TOPMed 0.00002.
gnomAD v4.1: 15 of 1,577,322 alleles (0.00095%); highest among the groups gnomAD compares: Non-Finnish European, 0.0013%; no homozygotes.

Submissions (3):

Women's Health and Genetics/Laboratory Corporation of America, LabCorp
Classification: Uncertain significance. Last evaluated: 2026-02-02. Review status: criteria provided, single submitter. Criteria: LabCorp Variant Classification Summary - May 2015. Collection method: clinical testing. Allele origin: germline.

Labcorp Genetics (formerly Invitae), Labcorp
Classification: Uncertain significance. Last evaluated: 2025-09-10. Review status: criteria provided, single submitter. Criteria: Invitae Variant Classification Sherloc (09022015). Collection method: clinical testing. Allele origin: germline.
Comment: This sequence change replaces serine, which is neutral and polar, with phenylalanine, which is neutral and non-polar, at codon 1161 of the ALPK3 protein (p.Ser1161Phe). This variant is present in population databases (no rsID available, gnomAD 0.007%). This variant has not been reported in the literature in individuals affected with ALPK3-related conditions. ClinVar contains an entry for this variant (Variation ID: 2068740). Invitae Evidence Modeling of protein sequence and biophysical properties (such as structural, functional, and spatial information, amino acid conservation, physicochemical variation, residue mobility, and thermodynamic stability) indicates that this missense variant is expected to disrupt ALPK3 protein function with a positive predictive value of 80%. In summary, the available evidence is currently insufficient to determine the role of this variant in disease. Therefore, it has been classified as a Variant of Uncertain Significance.

Ambry Genetics
Classification: Uncertain significance for Cardiovascular phenotype. Last evaluated: 2024-04-01. Review status: criteria provided, single submitter. Criteria: Ambry Variant Classification Scheme 2023. Collection method: clinical testing. Allele origin: germline.
Comment: The p.S1161F variant (also known as c.3482C>T), located in coding exon 6 of the ALPK3 gene, results from a C to T substitution at nucleotide position 3482. The serine at codon 1161 is replaced by phenylalanine, an amino acid with highly dissimilar properties. This amino acid position is conserved. In addition, the in silico prediction for this alteration is inconclusive. Based on the available evidence, the clinical significance of this alteration remains unclear.

NM_020778.5(ALPK3):c.2876C>T (p.Ser959Phe)

Gene: ALPK3 (alpha kinase 3; plus strand). Cytogenetic location: 15q25.3.
Variant type: single nucleotide variant.
Coding change: c.2876C>T on transcript NM_020778.5 (MANE Select); coding-DNA position 2876, C replaced by T.
Protein change: p.Ser959Phe; replaces serine 959 with phenylalanine.
Molecular consequence: missense variant.
Genome position (GRCh38, 1-based): chr15:84,857,614, C>T. VCF-style: chr15-84857614-C-T. GRCh37 (hg19) VCF-style: chr15-85400845-C-T.
Other names: c.3482C>T (NM_020778.4); short protein forms S959F.
Identifiers: ClinVar variation 2068740 (VCV002068740.6), dbSNP rs889039861, ClinGen allele CA273624848.